The following is an entry in ClinVar:

NM_001004334.4(GPR179):c.962C>G (p.Pro321Arg)

Gene: GPR179 (G protein-coupled receptor 179; minus strand). Cytogenetic location: 17q12.
Variant type: single nucleotide variant.
Coding change: c.962C>G on transcript NM_001004334.4 (MANE Select); coding-DNA position 962, C replaced by G.
Protein change: p.Pro321Arg; replaces proline 321 with arginine.
Molecular consequence: missense variant.
Genome position (GRCh38, 1-based): chr17:38,337,662, G>C on the plus strand (C>G on the coding strand, the complement: GPR179 is on the minus strand). VCF-style: chr17-38337662-G-C. GRCh37 (hg19) VCF-style: chr17-36493545-G-C.
Other names: short protein forms P321R.
Identifiers: ClinVar variation 1959431 (VCV001959431.5), dbSNP rs1260193563, ClinGen allele CA398888079.

ClinVar aggregate classification (germline): Uncertain significance (1 of 4 stars; one submission).

Allele frequency attached by ClinVar (database versions not stated): gnomAD 0.00001; TOPMed 0.00002.

Submission:

Labcorp Genetics (formerly Invitae), Labcorp
Classification: Uncertain significance. Last evaluated: 2024-10-21. Review status: criteria provided, single submitter. Criteria: Invitae Variant Classification Sherloc (09022015). Collection method: clinical testing. Allele origin: germline.
Comment: This sequence change replaces proline, which is neutral and non-polar, with arginine, which is basic and polar, at codon 321 of the GPR179 protein (p.Pro321Arg). This variant is present in population databases (no rsID available, gnomAD 0.004%). This variant has not been reported in the literature in individuals affected with GPR179-related conditions. ClinVar contains an entry for this variant (Variation ID: 1959431). An algorithm developed to predict the effect of missense changes on protein structure and function (PolyPhen-2) suggests that this variant is likely to be disruptive. In summary, the available evidence is currently insufficient to determine the role of this variant in disease. Therefore, it has been classified as a Variant of Uncertain Significance.